The following is an entry in ClinVar:

NM_006494.4(ERF):c.1A>G (p.Met1Val)

Gene: ERF (ETS2 repressor factor; minus strand). Cytogenetic location: 19q13.2.
Variant type: single nucleotide variant.
Coding change: c.1A>G on transcript NM_006494.4 (MANE Select); coding-DNA position 1, A replaced by G.
Protein change: p.Met1Val; changes the start codon (methionine 1).
Molecular consequence: missense variant, initiator codon variant. On other transcripts: intron variant (1).
Genome position (GRCh38, 1-based): chr19:42,254,999, T>C on the plus strand (A>G on the coding strand, the complement: ERF is on the minus strand). VCF-style: chr19-42254999-T-C. GRCh37 (hg19) VCF-style: chr19-42759151-T-C.
Other names: 1A-G; c.1A>G (NM_006494.2); c.-204+105A>G (NM_001312656.2); short protein forms M1V.
Identifiers: ClinVar variation 218957 (VCV000218957.3), dbSNP rs864321681, ClinGen allele CA347851.

ClinVar aggregate classification (germline): Pathogenic. Review status: criteria provided, single submitter (1 of 4 stars). 2 submissions from 2 submitters: Pathogenic (1). 1 of the submissions does not count toward it. Last evaluated 2024-03-01.

Conditions:
Lambdoidal craniosynostosis. Identifiers: MedGen C1833340, HP:0004443.

Submissions (2):

GeneDx
Classification: Pathogenic. Last evaluated: 2024-03-01. Review status: criteria provided, single submitter. Criteria: GeneDx Variant Classification Process June 2021. Collection method: clinical testing. Allele origin: germline. Affected: yes.
Comment: Identified in a patient with syndromic multiple suture synostosis in the published literature (PMID: 26097063); Initiation codon variant in a gene for which loss of function is a known mechanism of disease; Not observed at significant frequency in large population cohorts (gnomAD); This variant is associated with the following publications: (PMID: 26097063)

OMIM
Classification: Pathogenic for CRANIOSYNOSTOSIS 4. Last evaluated: 2015-11-01. Review status: no assertion criteria provided. Collection method: literature only. Allele origin: germline. Not counted in ClinVar's aggregate classification.

Literature cited by the submitters: PubMed 26097063 (cited by OMIM).